The following is an entry in ClinVar:

ClinVar aggregate classification (germline): Uncertain significance. Review status: criteria provided, multiple submitters, no conflicts (2 of 4 stars). 4 submissions from 4 submitters: Uncertain significance (4). Last evaluated 2024-03-20.

Conditions:
Autoinflammatory syndrome. Identifiers: Orphanet 93665, MedGen C3890737, MONDO:0019751.
Chédiak-Higashi syndrome (CHS). Also called: Chediak-Higashi Syndrome. Identifiers: Orphanet 167, MedGen C0007965, MONDO:0008963, OMIM 214500.

Allele frequency attached by ClinVar (database versions not stated): ExAC 0.00001; gnomAD exomes 0.00001; TOPMed 0.00002; gnomAD 0.00003.
gnomAD v4.1: 21 of 1,613,778 alleles (0.0013%); highest among the groups gnomAD compares: Non-Finnish European, 0.0017%; no homozygotes.

Submissions (4):

Blueprint Genetics
Classification: Uncertain significance. Last evaluated: 2024-03-20. Review status: criteria provided, single submitter. Criteria: ACMG Guidelines, 2015. Collection method: clinical testing. Allele origin: germline.

Labcorp Genetics (formerly Invitae), Labcorp
Classification: Uncertain significance for Chédiak-Higashi syndrome. Last evaluated: 2022-08-31. Review status: criteria provided, single submitter. Criteria: Invitae Variant Classification Sherloc (09022015). Collection method: clinical testing. Allele origin: germline.
Comment: This sequence change replaces alanine, which is neutral and non-polar, with threonine, which is neutral and polar, at codon 29 of the LYST protein (p.Ala29Thr). This variant is present in population databases (rs755173231, gnomAD 0.002%). This variant has not been reported in the literature in individuals affected with LYST-related conditions. ClinVar contains an entry for this variant (Variation ID: 964755). Algorithms developed to predict the effect of missense changes on protein structure and function output the following: SIFT: "Tolerated"; PolyPhen-2: "Benign"; Align-GVGD: "Class C0". The threonine amino acid residue is found in multiple mammalian species, which suggests that this missense change does not adversely affect protein function. In summary, the available evidence is currently insufficient to determine the role of this variant in disease. Therefore, it has been classified as a Variant of Uncertain Significance.

Genome Diagnostics Laboratory, The Hospital for Sick Children
Classification: Uncertain significance for Autoinflammatory syndrome. Last evaluated: 2021-12-20. Review status: criteria provided, single submitter. Criteria: ACMG Guidelines, 2015. Collection method: clinical testing. Allele origin: germline. Affected: yes.

Revvity Omics, Revvity
Classification: Uncertain significance for Chédiak-Higashi syndrome. Last evaluated: 2019-12-30. Review status: criteria provided, single submitter. Criteria: ACMG Guidelines, 2015. Collection method: clinical testing. Allele origin: germline.

NM_000081.4(LYST):c.85G>A (p.Ala29Thr)

Gene: LYST (lysosomal trafficking regulator; minus strand). Cytogenetic location: 1q42.3.
Variant type: single nucleotide variant.
Coding change: c.85G>A on transcript NM_000081.4 (MANE Select); coding-DNA position 85, G replaced by A.
Protein change: p.Ala29Thr; replaces alanine 29 with threonine.
Molecular consequence: missense variant. On other transcripts: non-coding transcript variant (1).
Genome position (GRCh38, 1-based): chr1:235,830,333, C>T on the plus strand (G>A on the coding strand, the complement: LYST is on the minus strand). VCF-style: chr1-235830333-C-T. GRCh37 (hg19) VCF-style: chr1-235993633-C-T.
Other names: c.85G>A, p.Ala29Thr (NM_001301365.1); short protein forms A29T.
Identifiers: ClinVar variation 964755 (VCV000964755.13), dbSNP rs755173231, ClinGen allele CA1467736.
Genomic context (GRCh38, chr1:235,830,333, plus strand): 5'-CATGGACAAGGTACTGTCCAAGGGTTGCCATGTGCGTCTCCTCCTCTTCTTCCTCCCTGG[C>T]CTCCACCCTCTGGACCACTGCATTGCAAAGCCGGTTGACATCGGTCAGAAATTCACGTGC-3'
Protein context (NP_000072.2, residues 19-39): LCNAVVQRVE[Ala29Thr]REEEEEETHM